The following is an entry in ClinVar:

ClinVar aggregate classification (germline): Uncertain significance. Review status: criteria provided, multiple submitters, no conflicts (2 of 4 stars). 2 submissions from 2 submitters: Uncertain significance (2). Last evaluated 2025-12-30.

Allele frequency attached by ClinVar (database versions not stated): gnomAD exomes below 0.00001 and 0.00001; ExAC 0.00001; gnomAD 0.00001.
gnomAD v4.1: 7 of 1,613,884 alleles (0.00043%); highest among the groups gnomAD compares: African/African-American, 0.0013%; no homozygotes.

Submissions (2):

Women's Health and Genetics/Laboratory Corporation of America, LabCorp
Classification: Uncertain significance. Last evaluated: 2025-12-30. Review status: criteria provided, single submitter. Criteria: LabCorp Variant Classification Summary - May 2015. Collection method: clinical testing. Allele origin: germline.
Comment: Variant summary: PPP2R5D c.173G>A (p.Arg58His) results in a non-conservative amino acid change in the encoded protein sequence. Algorithms developed to predict the effect of missense changes on protein structure and function are either unavailable or do not agree on the potential impact of this missense change. The variant allele was found at a frequency of 1.2e-05 in 250634 control chromosomes. The available data on variant occurrences in the general population are insufficient to allow any conclusion about variant significance. To our knowledge, no occurrence of c.173G>A in individuals affected with PPP2R5D-related conditions and no experimental evidence demonstrating its impact on protein function have been reported. ClinVar contains an entry for this variant (Variation ID: 1449025). Based on the evidence outlined above, the variant was classified as uncertain significance.

Labcorp Genetics (formerly Invitae), Labcorp
Classification: Uncertain significance. Last evaluated: 2025-09-07. Review status: criteria provided, single submitter. Criteria: Invitae Variant Classification Sherloc (09022015). Collection method: clinical testing. Allele origin: germline.
Comment: This sequence change replaces arginine, which is basic and polar, with histidine, which is basic and polar, at codon 58 of the PPP2R5D protein (p.Arg58His). This variant is present in population databases (rs769440183, gnomAD 0.003%). This variant has not been reported in the literature in individuals affected with PPP2R5D-related conditions. ClinVar contains an entry for this variant (Variation ID: 1449025). An algorithm developed to predict the effect of missense changes on protein structure and function (PolyPhen-2) suggests that this variant is likely to be disruptive. In summary, the available evidence is currently insufficient to determine the role of this variant in disease. Therefore, it has been classified as a Variant of Uncertain Significance.

NM_006245.4(PPP2R5D):c.173G>A (p.Arg58His)

Gene: PPP2R5D (protein phosphatase 2 regulatory subunit B'delta; plus strand). Cytogenetic location: 6p21.1.
Variant type: single nucleotide variant.
Coding change: c.173G>A on transcript NM_006245.4 (MANE Select); coding-DNA position 173, G replaced by A.
Protein change: p.Arg58His; replaces arginine 58 with histidine.
Molecular consequence: missense variant. On other transcripts: 5 prime UTR variant (1), intron variant (1).
Genome position (GRCh38, 1-based): chr6:43,006,530, G>A. VCF-style: chr6-43006530-G-A. GRCh37 (hg19) VCF-style: chr6-42974268-G-A.
Other names: c.-281G>A (NM_001270476.2); c.173G>A, p.Arg58His (NM_180976.3); c.28-404G>A (NM_180977.3); short protein forms R58H.
Identifiers: ClinVar variation 1449025 (VCV001449025.8), dbSNP rs769440183, ClinGen allele CA3811768.
Genomic context (GRCh38, chr6:43,006,530, plus strand): 5'-CGCAGCCCCAGCCCCAGCCCCAGCCCCAAGCCCAGTCTCAGCCACCGTCATCCAACAAGC[G>A]TCCCAGCAATAGCACGCCGCCCCCCACGCAGCTCAGCAAAATCAAGTACTCAGGGGGGCC-3'
Protein context (NP_006236.1, residues 48-68): AQSQPPSSNK[Arg58His]PSNSTPPPTQ